The following is an entry in ClinVar:

NM_001429.4(EP300):c.4188T>A (p.Ser1396=)

Gene: EP300 (EP300 lysine acetyltransferase; plus strand). Cytogenetic location: 22q13.2.
Variant type: single nucleotide variant.
Coding change: c.4188T>A on transcript NM_001429.4 (MANE Select); coding-DNA position 4188, T replaced by A.
Protein change: p.Ser1396=; no amino-acid change (serine 1396 retained).
Molecular consequence: synonymous variant.
Genome position (GRCh38, 1-based): chr22:41,169,518, T>A. VCF-style: chr22-41169518-T-A. GRCh37 (hg19) VCF-style: chr22-41565522-T-A.
Other names: c.4188T>A (NM_001429.3); c.4110T>A, p.Ser1370= (NM_001362843.2).
Identifiers: ClinVar variation 2100598 (VCV002100598.5), dbSNP rs765022504, ClinGen allele CA10253371.

ClinVar aggregate classification (germline): Benign. Review status: criteria provided, single submitter (1 of 4 stars). 2 submissions from 2 submitters: Benign (1). 1 of the submissions does not count toward it. Last evaluated 2023-02-22.

Conditions:
Rubinstein-Taybi syndrome due to EP300 haploinsufficiency. Also called: EP300-Related Rubinstein-Taybi Syndrome; RUBINSTEIN-TAYBI SYNDROME 2. Identifiers: Orphanet 353284, Orphanet 783, MedGen C3150941, MONDO:0013364, OMIM 613684.
EP300-related disorder. Also called: EP300-related condition; EP300-related disorders.

Allele frequency attached by ClinVar (database versions not stated): gnomAD 0.00001; ExAC 0.00002; TOPMed 0.00002.
gnomAD v4.1: 18 of 1,606,886 alleles (0.0011%); highest among the groups gnomAD compares: Admixed American, 0.0017%; no homozygotes.

Submissions (2):

Labcorp Genetics (formerly Invitae), Labcorp
Classification: Benign for Rubinstein-Taybi syndrome due to EP300 haploinsufficiency. Last evaluated: 2023-02-22. Review status: criteria provided, single submitter. Criteria: Invitae Variant Classification Sherloc (09022015). Collection method: clinical testing. Allele origin: germline.

PreventionGenetics, part of Exact Sciences
Classification: Likely benign for EP300-related condition. Last evaluated: 2024-03-20. Review status: no assertion criteria provided. Collection method: clinical testing. Allele origin: germline. Not counted in ClinVar's aggregate classification.
Comment: This variant is classified as likely benign based on ACMG/AMP sequence variant interpretation guidelines (Richards et al. 2015 PMID: 25741868, with internal and published modifications).